The following is an entry in ClinVar:

ClinVar aggregate classification (germline): Uncertain significance. Review status: criteria provided, multiple submitters, no conflicts (2 of 4 stars). 2 submissions from 2 submitters: Uncertain significance (2). Last evaluated 2024-07-06.

Conditions:
Hereditary cancer-predisposing syndrome. Also called: Neoplastic Syndromes, Hereditary; Hereditary Cancer Syndrome; Hereditary neoplastic syndrome; Tumor predisposition. Identifiers: Orphanet 140162, MedGen C0027672, MeSH D009386, MONDO:0015356.
Familial cancer of breast. Also called: Hereditary breast cancer; hereditary breast carcinoma; BREAST CANCER, FAMILIAL. Identifiers: Orphanet 227535, MedGen C0346153, MONDO:0016419, OMIM 114480. Disease mechanism: loss of function.

Submissions (2):

Labcorp Genetics (formerly Invitae), Labcorp
Classification: Uncertain significance for Familial cancer of breast. Last evaluated: 2024-07-06. Review status: criteria provided, single submitter. Criteria: Invitae Variant Classification Sherloc (09022015). Collection method: clinical testing. Allele origin: germline.
Comment: This sequence change replaces arginine, which is basic and polar, with glycine, which is neutral and non-polar, at codon 406 of the CHEK2 protein (p.Arg406Gly). This variant is not present in population databases (gnomAD no frequency). This variant has not been reported in the literature in individuals affected with CHEK2-related conditions. ClinVar contains an entry for this variant (Variation ID: 2566543). An algorithm developed to predict the effect of missense changes on protein structure and function (PolyPhen-2) suggests that this variant is likely to be disruptive. In summary, the available evidence is currently insufficient to determine the role of this variant in disease. Therefore, it has been classified as a Variant of Uncertain Significance.

Ambry Genetics
Classification: Uncertain significance for Hereditary cancer-predisposing syndrome. Last evaluated: 2023-05-05. Review status: criteria provided, single submitter. Criteria: Ambry Variant Classification Scheme 2023. Collection method: clinical testing. Allele origin: germline.
Comment: The p.R406G variant (also known as c.1216C>G), located in coding exon 10 of the CHEK2 gene, results from a C to G substitution at nucleotide position 1216. The arginine at codon 406 is replaced by glycine, an amino acid with dissimilar properties. This amino acid position is well conserved in available vertebrate species. In addition, the in silico prediction for this alteration is inconclusive. Since supporting evidence is limited at this time, the clinical significance of this alteration remains unclear.

NM_007194.4(CHEK2):c.1216C>G (p.Arg406Gly)

Gene: CHEK2 (checkpoint kinase 2; minus strand). Cytogenetic location: 22q12.1.
Variant type: single nucleotide variant.
Coding change: c.1216C>G on transcript NM_007194.4 (MANE Select); coding-DNA position 1216, C replaced by G.
Protein change: p.Arg406Gly; replaces arginine 406 with glycine.
Molecular consequence: missense variant.
Genome position (GRCh38, 1-based): chr22:28,695,753, G>C on the plus strand (C>G on the coding strand, the complement: CHEK2 is on the minus strand). VCF-style: chr22-28695753-G-C. GRCh37 (hg19) VCF-style: chr22-29091741-G-C.
Other names: c.1345C>G, p.Arg449Gly (NM_001005735.3); c.553C>G, p.Arg185Gly (NM_001257387.3); c.1015C>G, p.Arg339Gly (NM_001349956.3); c.1129C>G, p.Arg377Gly (NM_145862.3); short protein forms R406G, R449G, R185G, R339G, R377G.
Identifiers: ClinVar variation 2566543 (VCV002566543.4), dbSNP rs587782527, ClinGen allele CA411096715.
Genomic context (GRCh38, chr22:28,695,753, plus strand): 5'-ATGAAAATATTTCTTACCAGATAAAAAGAATAACTCCTAAACTCCAGCAGTCCACAGCAC[G>C]GTTATACCCAGCAGTCCCAACAGAAACAAGAACTTCAGGCGCCAAGTAGGTGGGGGTTCC-3'
Protein context (NP_009125.1, residues 396-416): LVSVGTAGYN[Arg406Gly]AVDCWSLGVI